The following is an entry in ClinVar:

ClinVar aggregate classification (germline): Likely benign (1 of 4 stars; one submission).

gnomAD v4.1: 1 of 1,614,104 alleles (0.000062%); highest among the groups gnomAD compares: South Asian, 0.0011%; no homozygotes.

Submission:

CeGaT Center for Human Genetics Tuebingen
Classification: Likely benign. Last evaluated: 2026-03-01. Review status: criteria provided, single submitter. Criteria: CeGaT Center For Human Genetics Tuebingen Variant Classification Criteria Version 2. Collection method: clinical testing. Allele origin: germline. Affected: yes. Observed: 1 variant allele.
Comment: OSGIN2: BP4, BP7

NM_001126111.3(OSGIN2):c.1086G>A (p.Leu362=)

Gene: OSGIN2 (oxidative stress induced growth inhibitor family member 2; plus strand). Cytogenetic location: 8q21.3.
Variant type: single nucleotide variant.
Coding change: c.1086G>A on transcript NM_001126111.3 (MANE Select); coding-DNA position 1086, G replaced by A.
Protein change: p.Leu362=; no amino-acid change (leucine 362 retained).
Molecular consequence: synonymous variant.
Genome position (GRCh38, 1-based): chr8:89,924,968, G>A. VCF-style: chr8-89924968-G-A. GRCh37 (hg19) VCF-style: chr8-90937196-G-A.
Other names: c.954G>A, p.Leu318= (NM_004337.2).
Identifiers: ClinVar variation 4823613 (VCV004823613.4).
Genomic context (GRCh38, chr8:89,924,968, plus strand): 5'-TGGCAAAGTGGATCCAGTGTTAATTGTAGGTTCTGGGCTTACTGCCGCTGACGCAGTACT[G>A]TGTGCTTACAACAGTAATATCCCTGTGATTCATGTGTTTCGCAGACGAGTAACTGATCCA-3'
Protein context (NP_001119583.1, residues 352-372): GSGLTAADAV[Leu362=]CAYNSNIPVI